The following is an entry in ClinVar:

ClinVar aggregate classification (germline): Uncertain significance (1 of 4 stars; one submission).

gnomAD v4.1: 7 of 1,201,597 alleles (0.00058%); highest among the groups gnomAD compares: Non-Finnish European, 0.00079%; no homozygotes.

Submission:

GeneDx
Classification: Uncertain significance. Last evaluated: 2023-05-08. Review status: criteria provided, single submitter. Criteria: GeneDx Variant Classification Process June 2021. Collection method: clinical testing. Allele origin: germline. Affected: yes.
Comment: In silico analysis supports that this missense variant does not alter protein structure/function; Has not been previously published as pathogenic or benign to our knowledge; Reported using an alternate transcript of the gene

NM_021120.4(DLG3):c.1145+662G>C

Gene: DLG3 (discs large MAGUK scaffold protein 3; plus strand). Cytogenetic location: Xq13.1.
Variant type: single nucleotide variant.
Coding change: c.1145+662G>C on transcript NM_021120.4 (MANE Select); 662 bases into the intron after coding-DNA position 1145, G replaced by C.
Molecular consequence: intron variant. On other transcripts: missense variant (1).
Genome position (GRCh38, 1-based): chrX:70,452,688, G>C. VCF-style: chrX-70452688-G-C. GRCh37 (hg19) VCF-style: chrX-69672538-G-C.
Other names: c.67G>C, p.Ala23Pro (NM_020730.3); short protein forms A23P.
Identifiers: ClinVar variation 2663092 (VCV002663092.1), dbSNP rs1367892659, ClinGen allele CA413494603.